The following is an entry in ClinVar:

NM_000448.3(RAG1):c.999T>A (p.Tyr333Ter)

Gene: RAG1 (recombination activating 1; plus strand). Cytogenetic location: 11p12.
Variant type: single nucleotide variant.
Coding change: c.999T>A on transcript NM_000448.3 (MANE Select); coding-DNA position 999, T replaced by A.
Protein change: p.Tyr333Ter; replaces tyrosine 333 with a stop codon.
Molecular consequence: nonsense.
Genome position (GRCh38, 1-based): chr11:36,574,303, T>A. VCF-style: chr11-36574303-T-A. GRCh37 (hg19) VCF-style: chr11-36595853-T-A.
Other names: NM_000448.3(RAG1):c.999T>A; p.Tyr333Ter; c.999T>A, p.Tyr333Ter (NM_001377277.1, NM_001377278.1, NM_001377279.1 and 1 more transcripts); short protein forms Y333*.
Identifiers: ClinVar variation 449383 (VCV000449383.6), dbSNP rs902350422, ClinGen allele CA220600683.

ClinVar aggregate classification (germline): Pathogenic. Review status: reviewed by expert panel (3 of 4 stars). 4 submissions from 4 submitters: Pathogenic (1). 3 of the submissions do not count toward it. Last evaluated 2024-06-14.

Conditions:
Recombinase activating gene 1 deficiency. Identifiers: MedGen CN375631, MONDO:0000572.
Combined immunodeficiency with skin granulomas. Identifiers: Orphanet 157949, MedGen C2673536, MONDO:0009306, OMIM 233650.
Severe combined immunodeficiency, autosomal recessive, T cell-negative, B cell-negative, NK cell-positive. Also called: SCID, T CELL-NEGATIVE, B CELL-NEGATIVE, NK CELL-POSITIVE; SCID, AR, T-cell negative, B-cell negative, NK cell-positive; Severe combined immunodeficiency due to complete RAG1/2 deficiency. Identifiers: Orphanet 331206, MedGen C1832322, MONDO:0011086, OMIM 601457.
Histiocytic medullary reticulosis. Also called: SEVERE COMBINED IMMUNODEFICIENCY WITH HYPEREOSINOPHILIA; Omenn syndrome. Identifiers: Orphanet 39041, MedGen C2700553, MONDO:0011338, OMIM 603554.

Allele frequency attached by ClinVar (database versions not stated): gnomAD 0.00001; TOPMed 0.00002.
gnomAD v4.1: 1 of 1,614,086 alleles (0.000062%); highest among the groups gnomAD compares: Non-Finnish European, 0.000085%; no homozygotes.

Submissions (4):

ClinGen Severe Combined Immunodeficiency Variant Curation Expert Panel, ClinGen
Classification: Pathogenic for Recombinase activating gene 1 deficiency. Last evaluated: 2024-06-14. Review status: reviewed by expert panel. Criteria: ClinGen SCID ACMG Specifications RAG1 V1.0.0. Collection method: curation. Allele origin: germline. Inheritance: Autosomal recessive inheritance.
Comment: The c.999T>A (p.Tyr333Ter) (NM_000448.3) variant in RAG1 is a nonsense variant predicted to cause a premature stop codon in biologically-relevant-exon 2/2 leading to nonsense-mediated decay in a gene in which loss-of-function is an established disease mechanism (PVS1).The highest population minor allele frequency in gnomAD v4 is 0.00001470 (1/68026 alleles) in European (Non-Finnish) population, which is lower than the ClinGen SCID VCEP threshold (<0.000102) for PM2_Supporting, meeting this criterion (PM2_Supporting). Patient OM8 in PMID 11313270 has the c.999T>A (p.Tyr333Ter) variant in trans with a frameshift variant (1pt, PM3). In summary, this variant meets the criteria to be classified as a Pathogenic variant for autosomal recessive severe combined immunodeficiency due to RAG1 deficiency based on the ACMG/AMP criteria applied, as specified by the ClinGen SCID VCEP: PVS1,PM2_supporting,PM3 (VCEP specifications version 1).

Labcorp Genetics (formerly Invitae), Labcorp
Classification: Pathogenic for Combined immunodeficiency with skin granulomas; Severe combined immunodeficiency, autosomal recessive, T cell-negative, B cell-negative, NK cell-positive. Last evaluated: 2025-03-29. Review status: criteria provided, single submitter. Criteria: Invitae Variant Classification Sherloc (09022015). Collection method: clinical testing. Allele origin: germline. Not counted in ClinVar's aggregate classification.
Comment: This sequence change creates a premature translational stop signal (p.Tyr333*) in the RAG1 gene. While this is not anticipated to result in nonsense mediated decay, it is expected to disrupt the last 711 amino acid(s) of the RAG1 protein. This variant is not present in population databases (gnomAD no frequency). This premature translational stop signal has been observed in individual(s) with Omenn syndrome (PMID: 11313270). ClinVar contains an entry for this variant (Variation ID: 449383). This variant disrupts a region of the RAG1 protein in which other variant(s) (p.His994Arg) have been determined to be pathogenic (PMID: 33193364; internal data). This suggests that this is a clinically significant region of the protein, and that variants that disrupt it are likely to be disease-causing. For these reasons, this variant has been classified as Pathogenic.

Department of Pathology and Laboratory Medicine, Sinai Health System
Classification: Pathogenic for Severe combined immunodeficiency, autosomal recessive, T cell-negative, B cell-negative, NK cell-positive; Combined immunodeficiency with skin granulomas; Histiocytic medullary reticulosis. Last evaluated: 2023-03-13. Review status: criteria provided, single submitter. Criteria: ACMG Guidelines, 2015. Collection method: research. Allele origin: germline. Not counted in ClinVar's aggregate classification.

GeneDx
Classification: Pathogenic. Last evaluated: 2017-09-26. Review status: criteria provided, single submitter. Criteria: GeneDx Variant Classification (06012015). Collection method: clinical testing. Allele origin: germline. Affected: yes. Not counted in ClinVar's aggregate classification.
Comment: The Y333X variant in the RAG1 gene has been reported previously, along with another variant, in association with Omenn syndrome (Corneo et al., 2001). This variant is predicted to cause loss of normal protein function through protein truncation. Functional studies showed dramatically reduced recombination frequency in affected cells compared to wild type (Corneo et al., 2001). The Y333X variant is not observed in large population cohorts (Lek et al., 2016). We interpret Y333X as a pathogenic variant.

Literature cited by the submitters: PubMed 11313270 (cited by Labcorp Genetics (formerly Invitae), Labcorp); PubMed 33193364 (cited by Labcorp Genetics (formerly Invitae), Labcorp).